The following is an entry in ClinVar:

NM_005677.4(COLQ):c.367-167C>A

Gene: COLQ (collagen like tail subunit of asymmetric acetylcholinesterase; minus strand). Cytogenetic location: 3p25.1.
Variant type: single nucleotide variant.
Coding change: c.367-167C>A on transcript NM_005677.4 (MANE Select); 167 bases into the intron before coding-DNA position 367, C replaced by A.
Molecular consequence: intron variant.
Genome position (GRCh38, 1-based): chr3:15,479,170, G>T on the plus strand (C>A on the coding strand, the complement: COLQ is on the minus strand). VCF-style: chr3-15479170-G-T. GRCh37 (hg19) VCF-style: chr3-15520677-G-T.
Other names: c.265-167C>A (NM_080539.4); c.337-167C>A (NM_080538.2).
Identifiers: ClinVar variation 679246 (VCV000679246.2), dbSNP rs2255897, ClinGen allele CA11352894.
Genomic context (GRCh38, chr3:15,479,170, plus strand): 5'-CTTGGCTGCTGCTCACGGCCCCTCTGCCATGTCGATAGGCCACGTCAAAATACACCAGTG[G>T]TATCCCATATGTGCTGCAGCAGCCCAGCCATCATGGAACCCAGCCTCTCACCAAGGCAGA-3'

ClinVar aggregate classification (germline): Benign. Review status: criteria provided, multiple submitters, no conflicts (2 of 4 stars). 2 submissions from 2 submitters: Benign (2). Last evaluated 2018-06-19.

Allele frequency attached by ClinVar (database versions not stated): gnomAD 0.37243 and 0.37123; TOPMed 0.37478; 1000 Genomes Project 30x 0.38398; 1000 Genomes Project 0.38638.
gnomAD v4.1: 56,818 of 152,004 alleles (37%); highest among the groups gnomAD compares: East Asian, 51%; 10,788 homozygotes.

Submissions (2):

GeneDx
Classification: Benign. Last evaluated: 2018-06-19. Review status: criteria provided, single submitter. Criteria: GeneDx Variant Classification (06012015). Collection method: clinical testing. Allele origin: germline. Affected: yes.
Comment: This variant is considered likely benign or benign based on one or more of the following criteria: it is a conservative change, it occurs at a poorly conserved position in the protein, it is predicted to be benign by multiple in silico algorithms, and/or has population frequency not consistent with disease.

Breakthrough Genomics
Classification: Benign. Review status: criteria provided, single submitter. Criteria: ACMG Guidelines, 2015. Collection method: not provided. Allele origin: germline. Inheritance: Autosomal recessive inheritance. Affected: yes.